The following is an entry in ClinVar:

ClinVar aggregate classification (germline): Uncertain significance (1 of 4 stars; one submission).

Conditions:
Sulfite oxidase deficiency due to molybdenum cofactor deficiency type A. Also called: Molybdenum cofactor deficiency, complementation group A; Molybdenum Cofactor Deficiency A. Identifiers: Orphanet 308386, Orphanet 833, MedGen C1854988, MONDO:0009643, OMIM 252150.

Allele frequency attached by ClinVar (database versions not stated): ExAC 0.00001; gnomAD 0.00001.
gnomAD v4.1: 6 of 1,613,822 alleles (0.00037%); highest among the groups gnomAD compares: Non-Finnish European, 0.000085%; no homozygotes.

Submission:

Labcorp Genetics (formerly Invitae), Labcorp
Classification: Uncertain significance for Sulfite oxidase deficiency due to molybdenum cofactor deficiency type A. Last evaluated: 2022-08-31. Review status: criteria provided, single submitter. Criteria: Invitae Variant Classification Sherloc (09022015). Collection method: clinical testing. Allele origin: germline.
Comment: This variant is present in population databases (rs746173424, gnomAD 0.0009%). This sequence change replaces valine, which is neutral and non-polar, with leucine, which is neutral and non-polar, at codon 420 of the MOCS1 protein (p.Val420Leu). This variant has not been reported in the literature in individuals affected with MOCS1-related conditions. In summary, the available evidence is currently insufficient to determine the role of this variant in disease. Therefore, it has been classified as a Variant of Uncertain Significance. Algorithms developed to predict the effect of missense changes on protein structure and function are either unavailable or do not agree on the potential impact of this missense change (SIFT: "Not Available"; PolyPhen-2: "Benign"; Align-GVGD: "Not Available").

NM_001358530.2(MOCS1):c.1258G>T (p.Val420Leu)

Gene: MOCS1 (molybdenum cofactor synthesis 1; minus strand). Cytogenetic location: 6p21.2.
Variant type: single nucleotide variant.
Coding change: c.1258G>T on transcript NM_001358530.2 (MANE Select); coding-DNA position 1258, G replaced by T.
Protein change: p.Val420Leu; replaces valine 420 with leucine.
Molecular consequence: missense variant. On other transcripts: 3 prime UTR variant (4), non-coding transcript variant (1).
Genome position (GRCh38, 1-based): chr6:39,907,010, C>A on the plus strand (G>T on the coding strand, the complement: MOCS1 is on the minus strand). VCF-style: chr6-39907010-C-A. GRCh37 (hg19) VCF-style: chr6-39874786-C-A.
Other names: c.*115G>T (NM_001075098.4, NM_001358533.2, NM_001358534.2 and 1 more transcripts); c.1210G>T, p.Val404Leu (NM_001358529.2); c.997G>T, p.Val333Leu (NM_001358531.2); short protein forms V333L, V404L, V420L.
Identifiers: ClinVar variation 2075802 (VCV002075802.4), dbSNP rs746173424, ClinGen allele CA3795979.